The following is an entry in ClinVar:

ClinVar aggregate classification (germline): Likely pathogenic (0 of 4 stars; one submission).

Conditions:
PCSK1-related disorder. Also called: PCSK1-related condition.

gnomAD v4.1: 2 of 1,612,512 alleles (0.00012%); highest among the groups gnomAD compares: Non-Finnish European, 0.00017%; no homozygotes.

Submission:

PreventionGenetics, part of Exact Sciences
Classification: Likely pathogenic for PCSK1-related condition. Last evaluated: 2024-02-27. Review status: no assertion criteria provided. Collection method: clinical testing. Allele origin: germline.
Comment: The PCSK1 c.1522C>A variant is predicted to result in the amino acid substitution p.Gln508Lys. This variant was observed in a cohort of obese individuals, and in vitro functional studies show strong evidence of loss of function (Supplemental Data Set, Shah et al. 2023, PubMed ID: 36864747). This variant is reported in 0.0065% of alleles in individuals of European (non-Finnish) descent in gnomAD. This variant is interpreted as likely pathogenic.

NM_000439.5(PCSK1):c.1522C>A (p.Gln508Lys)

Genes: CAST (calpastatin; plus strand), PCSK1 (proprotein convertase subtilisin/kexin type 1; minus strand), LOC101929710 (uncharacterized LOC101929710; plus strand). Cytogenetic location: 5q15.
Variant type: single nucleotide variant.
Coding change: c.1522C>A on transcript NM_000439.5 (MANE Select); coding-DNA position 1522, C replaced by A.
Protein change: p.Gln508Lys; replaces glutamine 508 with lysine.
Molecular consequence: missense variant. On other transcripts: intron variant (11).
Genome position (GRCh38, 1-based): chr5:96,398,945, G>T on the plus strand (C>A on the coding strand, the complement: PCSK1 is on the minus strand). VCF-style: chr5-96398945-G-T. GRCh37 (hg19) VCF-style: chr5-95734649-G-T.
Other names: c.1381C>A, p.Gln461Lys (NM_001177875.2); c.-175+19293G>T (NM_001423254.1, NM_001423259.1, NM_001423255.1 and 6 more transcripts); c.-103+19293G>T (NM_001423253.1); c.-40+19293G>T (NM_001423258.1); short protein forms Q461K, Q508K.
Identifiers: ClinVar variation 3355111 (VCV003355111.1).